The following is an entry in ClinVar:

NM_001379180.1(ESRRB):c.414G>A (p.Val138=)

Gene: ESRRB (estrogen related receptor beta; plus strand). Cytogenetic location: 14q24.3.
Variant type: single nucleotide variant.
Coding change: c.414G>A on transcript NM_001379180.1 (MANE Select); coding-DNA position 414, G replaced by A.
Protein change: p.Val138=; no amino-acid change (valine 138 retained).
Molecular consequence: synonymous variant.
Genome position (GRCh38, 1-based): chr14:76,439,704, G>A. VCF-style: chr14-76439704-G-A. GRCh37 (hg19) VCF-style: chr14-76906047-G-A.
Other names: c.351G>A, p.Val117= (NM_004452.4).
Identifiers: ClinVar variation 45000 (VCV000045000.13), dbSNP rs141586518, ClinGen allele CA135419.

ClinVar aggregate classification (germline): Conflicting classifications of pathogenicity. Review status: criteria provided, conflicting classifications (1 of 4 stars). 5 submissions from 5 submitters: Uncertain significance (1); Benign (2); Likely benign (2). Last evaluated 2026-06-06.

Conditions:
ESRRB-related disorder. Also called: ESRRB-related condition.

Allele frequency attached by ClinVar (database versions not stated): 1000 Genomes Project 30x 0.00062; gnomAD 0.00070 and 0.00073; TOPMed 0.00083; ESP Exome Variant Server 0.00092; gnomAD exomes 0.00009 and 0.00021; ExAC 0.00021; 1000 Genomes Project 0.00040.

Submissions (5):

PreventionGenetics, part of Exact Sciences
Classification: Likely benign for ESRRB-related condition. Last evaluated: 2026-06-06. Review status: criteria provided, single submitter. Criteria: ACMG Guidelines, 2015. Collection method: clinical testing. Allele origin: germline.
Comment: This variant is classified as likely benign based on ACMG/AMP sequence variant interpretation guidelines (Richards et al. 2015 PMID: 25741868, with internal and published modifications).

Labcorp Genetics (formerly Invitae), Labcorp
Classification: Benign. Last evaluated: 2025-12-10. Review status: criteria provided, single submitter. Criteria: Invitae Variant Classification Sherloc (09022015). Collection method: clinical testing. Allele origin: germline.

Blueprint Genetics
Classification: Likely benign. Last evaluated: 2023-02-09. Review status: criteria provided, single submitter. Criteria: ACMG Guidelines, 2015. Collection method: clinical testing. Allele origin: germline.

Eurofins Ntd Llc (ga)
Classification: Uncertain significance. Last evaluated: 2015-05-20. Review status: criteria provided, single submitter. Criteria: EGL Classification Definitions 2015. Collection method: clinical testing. Allele origin: germline. Observed: 1 variant allele, 1 heterozygote.

Laboratory for Molecular Medicine, Mass General Brigham Personalized Medicine
Classification: Benign. Last evaluated: 2015-02-18. Review status: criteria provided, single submitter. Criteria: LMM Criteria. Collection method: clinical testing. Allele origin: germline. Observed: 2 variant alleles.
Comment: p.Val117Val in exon 4 of ESRRB: This variant is not expected to have clinical si gnificance because it does not alter an amino acid residue, is not located withi n the splice consensus sequence, and has been identified 0.2% (25/10270) of Afri can chromosomes by the Exome Aggregation Consortium (ExAC; dbSNP rs141586518).